The following is an entry in ClinVar:

ClinVar aggregate classification (germline): Uncertain significance (1 of 4 stars; one submission).

Conditions:
Inborn genetic diseases. Identifiers: MedGen C0950123, MeSH D030342.

Submission:

Ambry Genetics
Classification: Uncertain significance for Inborn genetic diseases. Last evaluated: 2025-09-07. Review status: criteria provided, single submitter. Criteria: Ambry Variant Classification Scheme 2023. Collection method: clinical testing. Allele origin: germline.
Comment: The p.S234G variant (also known as c.700A>G) is located in coding exon 8 of the RTEL1 gene. The serine at codon 234 is replaced by glycine, an amino acid with similar properties. This change occurs in the first base pair of coding exon 8. This amino acid position is conserved. In addition, this alteration is predicted to be tolerated by in silico analysis. Based on the available evidence, the clinical significance of this variant remains unclear.

NM_001283009.2(RTEL1):c.700A>G (p.Ser234Gly)

Genes: RTEL1 (regulator of telomere elongation helicase 1; plus strand), RTEL1-TNFRSF6B (RTEL1-TNFRSF6B readthrough (NMD candidate); plus strand). Cytogenetic location: 20q13.33.
Variant type: single nucleotide variant.
Coding change: c.700A>G on transcript NM_001283009.2 (MANE Select); coding-DNA position 700, A replaced by G.
Protein change: p.Ser234Gly; replaces serine 234 with glycine.
Molecular consequence: missense variant. On other transcripts: non-coding transcript variant (1).
Genome position (GRCh38, 1-based): chr20:63,672,556, A>G. VCF-style: chr20-63672556-A-G. GRCh37 (hg19) VCF-style: chr20-62303909-A-G.
Other names: c.31A>G, p.Ser11Gly (NM_001283010.1); c.700A>G, p.Ser234Gly (NM_016434.4); c.772A>G, p.Ser258Gly (NM_032957.5); short protein forms S234G, S11G, S258G.
Identifiers: ClinVar variation 4157726 (VCV004157726.1).